The following is an entry in ClinVar:

ClinVar aggregate classification (germline): Pathogenic. Review status: reviewed by expert panel (3 of 4 stars). 2 submissions from 2 submitters: Pathogenic (1). 1 of the submissions does not count toward it. Last evaluated 2016-09-08.

Conditions:
Hereditary breast ovarian cancer syndrome. Also called: Hereditary breast and ovarian cancer; Breast and ovarian cancer; Hereditary breast and/or ovarian cancer syndrome; BRCA1- and BRCA2-Associated Hereditary Breast and Ovarian Cancer; Hereditary breast and ovarian cancer syndrome; Hereditary breast and ovarian cancer syndrome (HBOC). Identifiers: Orphanet 145, MedGen C0677776, MeSH D061325, MONDO:0003582. Disease mechanism: loss of function.
Breast-ovarian cancer, familial, susceptibility to, 2 (BROVCA2). Also called: BRCA2 Hereditary Breast and Ovarian Cancer. Identifiers: Orphanet 145, MedGen C2675520, MONDO:0012933, OMIM 612555. Disease mechanism: loss of function.

Submissions (2):

Evidence-based Network for the Interpretation of Germline Mutant Alleles (ENIGMA)
Classification: Pathogenic for Breast-ovarian cancer, familial, susceptibility to, 2. Last evaluated: 2016-09-08. Review status: reviewed by expert panel. Criteria: ENIGMA BRCA1/2 Classification Criteria (2015). Collection method: curation. Allele origin: germline.
Comment: Variant allele predicted to encode a truncated non-functional protein.

Labcorp Genetics (formerly Invitae), Labcorp
Classification: Pathogenic for Hereditary breast ovarian cancer syndrome. Last evaluated: 2024-10-27. Review status: criteria provided, single submitter. Criteria: Invitae Variant Classification Sherloc (09022015). Collection method: clinical testing. Allele origin: germline. Not counted in ClinVar's aggregate classification.
Comment: This sequence change creates a premature translational stop signal (p.Asn2051Ilefs*19) in the BRCA2 gene. It is expected to result in an absent or disrupted protein product. Loss-of-function variants in BRCA2 are known to be pathogenic (PMID: 20104584). This variant is not present in population databases (gnomAD no frequency). This variant has not been reported in the literature in individuals affected with BRCA2-related conditions. ClinVar contains an entry for this variant (Variation ID: 254576). For these reasons, this variant has been classified as Pathogenic.

Literature cited by the submitters: PubMed 20104584 (cited by Labcorp Genetics (formerly Invitae), Labcorp).

NM_000059.4(BRCA2):c.6152del (p.Asn2051fs)

Gene: BRCA2 (BRCA2 DNA repair associated; plus strand). Cytogenetic location: 13q13.1.
Variant type: Deletion.
Coding change: c.6152del on transcript NM_000059.4 (MANE Select); coding-DNA position 6152, one base deleted (A; older notation c.6152delA).
Protein change: p.Asn2051fs; shifts the reading frame from asparagine 2051.
Molecular consequence: frameshift variant.
Genome position (GRCh38, 1-based): chr13:32,340,507, A deleted; the last of 3 consecutive A bases (chr13:32,340,505-32,340,507); deleting any one gives the same sequence. VCF-style (leftmost placement, unchanged base first): chr13-32340504-TA-T. GRCh37 (hg19) VCF-style: chr13-32914641-TA-T.
Other names: c.6152delA (NM_000059.3); short protein forms N2051fs.
Identifiers: ClinVar variation 254576 (VCV000254576.4), dbSNP rs886038141, ClinGen allele CA10586553.
Genomic context (GRCh38, chr13:32,340,504, plus strand): 5'-ATACTGCTATACGTACTCCAGAACATTTAATATCCCAAAAAGGCTTTTCATATAATGTGG[TA>T]AATTCATCTGCTTTCTCTGGATTTAGTACAGCAAGTGGAAAGCAAGTTTCCATTTTAGAA-3'